The following is an entry in ClinVar:

ClinVar aggregate classification (germline): Pathogenic/Likely pathogenic. Review status: criteria provided, multiple submitters, no conflicts (2 of 4 stars). 6 submissions from 6 submitters: Pathogenic (4); Likely pathogenic (1). 1 of the submissions does not count toward it. Last evaluated 2025-07-24.

Conditions:
Neonatal asphyxia. Also called: Birth asphyxia; Asphyxia, in liveborn infant; Asphyxia neonatorum; Hypoxia neonatorum; Postnatal asphyxia. Identifiers: Orphanet 137577, MedGen C0004045, MONDO:0006663, HP:0012768.
Bowing of limbs due to multiple fractures. Identifiers: MedGen C1850178, HP:0003023.
Osteopenia. Identifiers: MedGen C0029453, HP:0000938.
Pathologic fracture. Identifiers: MedGen C0016663, HP:0002756.
Wide anterior fontanel. Identifiers: MedGen C1866134, HP:0000260.
Low-set, posteriorly rotated ears. Identifiers: MedGen C1857486.
Depressed nasal bridge. Also called: low nasal bridge; Flat nasal bridge; Flattened nasal bridge. Identifiers: MedGen C1836542, HP:0005280.
Downslanted palpebral fissures. Identifiers: MedGen C0423110, HP:0000494.
Flat occiput. Identifiers: MedGen C1837402, HP:0005469.
Crumpled long bones. Identifiers: MedGen C1970497, HP:0006367.
Wide cranial sutures. Identifiers: MedGen C0410935, HP:0010537.
Craniofacial disproportion. Identifiers: MedGen C1867114, HP:0005461.
Decreased calvarial ossification. Identifiers: MedGen C1833762, HP:0005474.
Premature birth. Identifiers: MedGen C0151526, HP:0001622.
Triangular face. Identifiers: MedGen C1835884, HP:0000325.
Anteverted nares. Also called: Thin anteverted nares. Identifiers: MedGen C1840077, HP:0000463.
Blue sclerae. Also called: Blue sclera. Identifiers: MedGen C0542514, HP:0000592.
Broad forehead. Identifiers: MedGen C1849089, HP:0000337.
Abnormal pinna morphology. Also called: Abnormality of the pinna; Bilateral external ear deformity. Identifiers: MedGen C0857379, HP:0000377.
Cranial asymmetry. Identifiers: MedGen C1860245, HP:0000267.
Rhizomelia. Identifiers: MedGen C1866730, HP:0008905.
Hypertelorism. Identifiers: MedGen C0020534, OMIM 145400, HP:0000316.
Skeletal dysplasia. Also called: Primary bone dysplasia. Identifiers: Orphanet 364526, MedGen C0410528, MONDO:0018230, HP:0002652.
Neonatal short-limb short stature. Identifiers: MedGen C1850171, HP:0008921.
Recurrent long bone fractures. Also called: Fractures of the long bones. Identifiers: MedGen C0240231, HP:0003084.
Maternal hypertension. Identifiers: MedGen C0565599, HP:0008071.
Generalized hypotonia. Identifiers: MedGen C1858120, HP:0001290.
Osteogenesis imperfecta, perinatal lethal (OI2). Also called: Osteogenesis imperfecta type 2; OI, TYPE II; OSTEOGENESIS IMPERFECTA CONGENITA; VROLIK TYPE OF OSTEOGENESIS IMPERFECTA; Osteogenesis imperfecta, dominant perinatal lethal; OSTEOGENESIS IMPERFECTA, TYPE II. Identifiers: Orphanet 216804, MedGen C0268358, MONDO:0008147, OMIM 166210.
Abnormality of the skeletal system. Identifiers: MedGen C4021790, HP:0000924.

Allele frequency attached by ClinVar (database versions not stated): gnomAD exomes below 0.00001.
gnomAD v4.1: 1 of 1,613,946 alleles (0.000062%); highest among the groups gnomAD compares: South Asian, 0.0011%; no homozygotes.

Submissions (6):

ARUP Laboratories, Molecular Genetics and Genomics, ARUP Laboratories
Classification: Pathogenic. Last evaluated: 2025-07-24. Review status: criteria provided, single submitter. Criteria: ARUP Molecular Germline Variant Investigation Process 2024. Collection method: clinical testing. Allele origin: germline.
Comment: The COL1A1 c.1777G>A; p.Gly593Ser variant (rs66527965, ClinVar Variation ID: 17326) is reported in the literature in multiple individuals with osteogenesis imperfecta (Bardai 2016, Bateman 1992, Marangoni 2022, Zhuang 2022). This variant is absent from the Genome Aggregation Database (v2.1.1), indicating it is not a common polymorphism. Computational analyses predict that this variant is deleterious (REVEL: 0.969). This codon is located in a Gly-X-Y triple helix repeat domain, and glycine substitutions are the most frequent pathogenic alterations in this region (Ben Amor 2011). Based on available information, this variant is considered to be pathogenic. References: Bardai G et al. DNA sequence analysis in 598 individuals with a clinical diagnosis of osteogenesis imperfecta: diagnostic yield and mutation spectrum. Osteoporos Int. 2016 Dec;27(12):3607-3613. PMID: 27509835. Bateman JF et al. Characterization of three osteogenesis imperfecta collagen alpha 1(I) glycine to serine mutations demonstrating a position-dependent gradient of phenotypic severity. Biochem J. 1992 Nov 15;288 ( Pt 1)(Pt 1):131-5. PMID: 1445258. Ben Amor IM et al. Genotype-phenotype correlations in autosomal dominant osteogenesis imperfecta. J Osteoporos. 2011;2011:540178. PMID: 21912751. Marangoni M et al. Implementation of fetal clinical exome sequencing: Comparing prospective and retrospective cohorts. Genet Med. 2022 Feb;24(2):344-363. PMID: 34906519. Zhuang J et al. Identification of a Rare Variant of c.1777G>A (p.G593S) in the COL1A1 Gene as the Etiology of Recurrent Osteogenesis Imperfecta by Whole-Exome Sequencing. Front Pediatr. 2022 Apr 8;10:816090. PMID: 35463886.

GeneDx
Classification: Pathogenic. Last evaluated: 2024-10-21. Review status: criteria provided, single submitter. Criteria: GeneDx Variant Classification Process June 2021. Collection method: clinical testing. Allele origin: germline. Affected: yes.
Comment: Occurs in the triple helical domain and replaces the glycine in the canonical Gly-X-Y repeat; missense substitution of a canonical glycine residue is expected to disrupt normal protein folding and function, and this is an established mechanism of disease (PMID: 34007986); Not observed at significant frequency in large population cohorts (gnomAD); In silico analysis supports that this missense variant has a deleterious effect on protein structure/function; Also known as p.G415S; This variant is associated with the following publications: (PMID: 36964972, 34627339, 34906519, 1445258, 27509835, 8364588, 35463886, 38374194, 34007986)

Revvity Omics, Revvity
Classification: Pathogenic. Last evaluated: 2023-09-25. Review status: criteria provided, single submitter. Criteria: ACMG Guidelines, 2015. Collection method: clinical testing. Allele origin: germline.

Kariminejad - Najmabadi Pathology & Genetics Center
Classification: Likely pathogenic for Abnormality of the skeletal system. Last evaluated: 2021-07-10. Review status: criteria provided, single submitter. Criteria: ACMG Guidelines, 2015. Collection method: clinical testing. Allele origin: germline. Affected: yes.

Centre for Mendelian Genomics, University Medical Centre Ljubljana
Classification: Pathogenic for Abnormal pinna morphology; Anteverted nares; Blue sclerae; Bowing of limbs due to multiple fractures; Broad forehead; Cranial asymmetry; Craniofacial disproportion; Crumpled long bones; Decreased calvarial ossification; Depressed nasal bridge; Downslanted palpebral fissures; Flat occiput; Recurrent long bone fractures; Generalized hypotonia; Hypertelorism; Posteriorly rotated ears; Maternal hypertension; Neonatal asphyxia; Neonatal short-limb short stature; Osteopenia; Pathologic fracture; Premature birth; Rhizomelia; Skeletal dysplasia; Triangular face; Wide anterior fontanel; Wide cranial sutures. Last evaluated: 2017-01-01. Review status: criteria provided, single submitter. Criteria: ACMG Guidelines, 2015. Collection method: clinical testing. Allele origin: unknown. Affected: yes.

OMIM
Classification: Pathogenic for OSTEOGENESIS IMPERFECTA, TYPE II. Last evaluated: 1993-01-01. Review status: no assertion criteria provided. Collection method: literature only. Allele origin: germline. Not counted in ClinVar's aggregate classification.

Literature cited by the submitters: PubMed 8364588 (cited by OMIM).

NM_000088.4(COL1A1):c.1777G>A (p.Gly593Ser)

Gene: COL1A1 (collagen type I alpha 1 chain; minus strand). Cytogenetic location: 17q21.33.
Variant type: single nucleotide variant.
Coding change: c.1777G>A on transcript NM_000088.4 (MANE Select); coding-DNA position 1777, G replaced by A.
Protein change: p.Gly593Ser; replaces glycine 593 with serine.
Molecular consequence: missense variant.
Genome position (GRCh38, 1-based): chr17:50,193,038, C>T on the plus strand (G>A on the coding strand, the complement: COL1A1 is on the minus strand). VCF-style: chr17-50193038-C-T. GRCh37 (hg19) VCF-style: chr17-48270399-C-T.
Other names: G415S; short protein forms G593S.
Identifiers: ClinVar variation 17326 (VCV000017326.27), dbSNP rs66527965, ClinGen allele CA257890.